The following is an entry in ClinVar:

NM_022367.4(SEMA4A):c.103G>A (p.Gly35Arg)

Gene: SEMA4A (semaphorin 4A; plus strand). Cytogenetic location: 1q22.
Variant type: single nucleotide variant.
Coding change: c.103G>A on transcript NM_022367.4 (MANE Select); coding-DNA position 103, G replaced by A.
Protein change: p.Gly35Arg; replaces glycine 35 with arginine.
Molecular consequence: missense variant. On other transcripts: 5 prime UTR variant (1), intron variant (3).
Genome position (GRCh38, 1-based): chr1:156,154,681, G>A. VCF-style: chr1-156154681-G-A. GRCh37 (hg19) VCF-style: chr1-156124472-G-A.
Other names: c.103G>A (NM_022367.3); c.103G>A, p.Gly35Arg (NM_001193300.2, NM_001193301.2, NM_001370567.1); c.-422G>A (NM_001370571.1); c.-385-1733G>A (NM_001370569.1); c.-158-1733G>A (NM_001370568.1); c.-159+917G>A (NM_001193302.2); short protein forms G35R.
Identifiers: ClinVar variation 1022782 (VCV001022782.12), dbSNP rs370407549, ClinGen allele CA1154911.
Genomic context (GRCh38, chr1:156,154,681, plus strand): 5'-GGCCTTTTCCTCTTCCAACTGCTTCAGCTGCTGCTGCCGACGACGACCGCGGGGGGAGGC[G>A]GGCAGGGGCCCATGCCCAGGGTCAGATACTATGCAGGTAAGTGTCCGACAGCAGGAAGTG-3'
Protein context (NP_071762.2, residues 25-45): LLPTTTAGGG[Gly35Arg]QGPMPRVRYY

ClinVar aggregate classification (germline): Uncertain significance. Review status: criteria provided, multiple submitters, no conflicts (2 of 4 stars). 3 submissions from 3 submitters: Uncertain significance (3). Last evaluated 2026-01-01.

Allele frequency attached by ClinVar (database versions not stated): gnomAD 0.00001 and 0.00002; TOPMed 0.00001; gnomAD exomes 0.00002 and 0.00003; ExAC 0.00007; ESP Exome Variant Server 0.00008.
gnomAD v4.1: 30 of 1,595,254 alleles (0.0019%); highest among the groups gnomAD compares: South Asian, 0.017%; no homozygotes.

Submissions (3):

Labcorp Genetics (formerly Invitae), Labcorp
Classification: Uncertain significance. Last evaluated: 2026-01-01. Review status: criteria provided, single submitter. Criteria: Invitae Variant Classification Sherloc (09022015). Collection method: clinical testing. Allele origin: germline.
Comment: This sequence change replaces glycine, which is neutral and non-polar, with arginine, which is basic and polar, at codon 35 of the SEMA4A protein (p.Gly35Arg). This variant is present in population databases (rs370407549, gnomAD 0.01%). This variant has not been reported in the literature in individuals affected with SEMA4A-related conditions. ClinVar contains an entry for this variant (Variation ID: 1022782). An algorithm developed to predict the effect of missense changes on protein structure and function outputs the following: PolyPhen-2: "Benign". The arginine amino acid residue is found in multiple mammalian species, which suggests that this missense change does not adversely affect protein function. In summary, the available evidence is currently insufficient to determine the role of this variant in disease. Therefore, it has been classified as a Variant of Uncertain Significance.

Ambry Genetics
Classification: Uncertain significance. Last evaluated: 2025-02-09. Review status: criteria provided, single submitter. Criteria: Ambry Variant Classification Scheme 2023. Collection method: clinical testing. Allele origin: germline.

Blueprint Genetics
Classification: Uncertain significance. Last evaluated: 2019-12-20. Review status: criteria provided, single submitter. Criteria: ACMG Guidelines, 2015. Collection method: clinical testing. Allele origin: germline.